The following is an entry in ClinVar:

NM_006767.4(LZTR1):c.1941del (p.Ile647fs)

Gene: LZTR1 (leucine zipper like post translational regulator 1; plus strand). Cytogenetic location: 22q11.21.
Variant type: Deletion.
Coding change: c.1941del on transcript NM_006767.4 (MANE Select); coding-DNA position 1941, one base deleted (T; older notation c.1941delT).
Protein change: p.Ile647fs; shifts the reading frame from isoleucine 647.
Molecular consequence: frameshift variant.
Genome position (GRCh38, 1-based): chr22:20,995,025, T deleted; the last of 2 consecutive T bases (chr22:20,995,024-20,995,025); deleting either gives the same sequence. VCF-style (leftmost placement, unchanged base first): chr22-20995023-AT-A. GRCh37 (hg19) VCF-style: chr22-21349312-AT-A.
Other names: short protein forms I647fs.
Identifiers: ClinVar variation 3541549 (VCV003541549.3).

ClinVar aggregate classification (germline): Pathogenic. Review status: criteria provided, multiple submitters, no conflicts (2 of 4 stars). 2 submissions from 2 submitters: Pathogenic (2). Last evaluated 2024-10-23.

Conditions:
Hereditary cancer-predisposing syndrome. Also called: Hereditary Cancer Syndrome; Hereditary neoplastic syndrome; Tumor predisposition; Neoplastic Syndromes, Hereditary. Identifiers: Orphanet 140162, MedGen C0027672, MeSH D009386, MONDO:0015356.
Cardiovascular phenotype. Identifiers: MedGen CN230736.

Submissions (2):

Labcorp Genetics (formerly Invitae), Labcorp
Classification: Pathogenic. Last evaluated: 2024-10-23. Review status: criteria provided, single submitter. Criteria: Invitae Variant Classification Sherloc (09022015). Collection method: clinical testing. Allele origin: germline.
Comment: This sequence change creates a premature translational stop signal (p.Ile647Metfs*5) in the LZTR1 gene. It is expected to result in an absent or disrupted protein product. Loss-of-function variants in LZTR1 are known to be pathogenic (PMID: 24362817, 25335493, 25480913, 25795793, 29469822, 30368668, 30442762, 30442766, 30481304, 30859559). This variant is not present in population databases (gnomAD no frequency). This variant has not been reported in the literature in individuals affected with LZTR1-related conditions. For these reasons, this variant has been classified as Pathogenic.

Ambry Genetics
Classification: Pathogenic for Cardiovascular phenotype; Hereditary cancer-predisposing syndrome. Last evaluated: 2024-07-19. Review status: criteria provided, single submitter. Criteria: Ambry Variant Classification Scheme 2023. Collection method: clinical testing. Allele origin: germline.
Comment: The c.1941delT pathogenic mutation, located in coding exon 16 of the LZTR1 gene, results from a deletion of one nucleotide at nucleotide position 1941, causing a translational frameshift with a predicted alternate stop codon (p.I647Mfs*5). This alteration is expected to result in loss of function by premature protein truncation or nonsense-mediated mRNA decay. This variant is considered to be rare based on population cohorts in the Genome Aggregation Database (gnomAD). Loss-of-function variants in LZTR1 are related to an increased risk for schwannomas and autosomal recessive Noonan syndrome; however, such associations with autosomal dominant Noonan syndrome have not been observed (Piotrowski A et al. Nat Genet. 2014 Feb;46:182-7; Yamamoto GL et al. J Med Genet. 2015 Jun;52:413-21; Johnston JJ et al. Genet Med. 2018 10;20:1175-1185). Based on the supporting evidence, this variant is pathogenic for an increased risk of LZTR1-related schwannomatosis (SWN) and would be expected to cause autosomal recessive Noonan syndrome when present along with a second pathogenic or likely pathogenic variant on the other allele; however, the association of this alteration with autosomal dominant Noonan syndrome is unlikely.

Literature cited by the submitters: PubMed 24362817 (cited by Labcorp Genetics (formerly Invitae), Labcorp); PubMed 25335493 (cited by Labcorp Genetics (formerly Invitae), Labcorp); PubMed 25480913 (cited by Labcorp Genetics (formerly Invitae), Labcorp); PubMed 25795793 (cited by Labcorp Genetics (formerly Invitae), Labcorp); PubMed 29469822 (cited by Labcorp Genetics (formerly Invitae), Labcorp); PubMed 30368668 (cited by Labcorp Genetics (formerly Invitae), Labcorp); PubMed 30442762 (cited by Labcorp Genetics (formerly Invitae), Labcorp); PubMed 30442766 (cited by Labcorp Genetics (formerly Invitae), Labcorp); PubMed 30481304 (cited by Labcorp Genetics (formerly Invitae), Labcorp); PubMed 30859559 (cited by Labcorp Genetics (formerly Invitae), Labcorp).